The following is an entry in ClinVar:

NM_020975.6(RET):c.529C>G (p.Arg177Gly)

Gene: RET (ret proto-oncogene; plus strand). Cytogenetic location: 10q11.21.
Variant type: single nucleotide variant.
Coding change: c.529C>G on transcript NM_020975.6 (MANE Select); coding-DNA position 529, C replaced by G.
Protein change: p.Arg177Gly; replaces arginine 177 with glycine.
Molecular consequence: missense variant. On other transcripts: intron variant (15).
Genome position (GRCh38, 1-based): chr10:43,102,533, C>G. VCF-style: chr10-43102533-C-G. GRCh37 (hg19) VCF-style: chr10-43597981-C-G.
Other names: c.337+1811C>G (NM_001406778.1, NM_001406775.1, NM_001406776.1 and 8 more transcripts); c.74-6498C>G (NM_001406784.1); c.74-9566C>G (NM_001406794.1, NM_001406792.1, NM_001406793.1); c.529C>G, p.Arg177Gly (NM_001406782.1, NM_001406785.1, NM_001406787.1 and 14 more transcripts); c.400C>G, p.Arg134Gly (NM_001406783.1, NM_001406786.1, NM_001406774.1 and 4 more transcripts); short protein forms R134G, R177G.
Identifiers: ClinVar variation 3706449 (VCV003706449.3).

ClinVar aggregate classification (germline): Uncertain significance. Review status: criteria provided, multiple submitters, no conflicts (2 of 4 stars). 2 submissions from 2 submitters: Uncertain significance (2). Last evaluated 2026-06-04.

Conditions:
Hereditary cancer-predisposing syndrome. Also called: Hereditary Cancer Syndrome; Hereditary neoplastic syndrome; Neoplastic Syndromes, Hereditary; Tumor predisposition. Identifiers: Orphanet 140162, MedGen C0027672, MeSH D009386, MONDO:0015356.
Multiple endocrine neoplasia, type 2 (MEN2). Identifiers: Orphanet 653, MedGen C4048306, MONDO:0019003. Disease mechanism: gain of function.

gnomAD v4.1: 1 of 1,614,220 alleles (0.000062%); highest among the groups gnomAD compares: Non-Finnish European, 0.000085%; no homozygotes.

Submissions (2):

Ambry Genetics
Classification: Uncertain significance for Hereditary cancer-predisposing syndrome. Last evaluated: 2026-06-04. Review status: criteria provided, single submitter. Criteria: Ambry Variant Classification Scheme 2023. Collection method: clinical testing. Allele origin: germline.
Comment: The p.R177G variant (also known as c.529C>G), located in coding exon 3 of the RET gene, results from a C to G substitution at nucleotide position 529. The arginine at codon 177 is replaced by glycine, an amino acid with dissimilar properties. This amino acid position is conserved. In addition, this alteration is predicted to be tolerated by in silico analysis. Based on the available evidence, the clinical significance of this variant remains unclear.

Labcorp Genetics (formerly Invitae), Labcorp
Classification: Uncertain significance for Multiple endocrine neoplasia, type 2. Last evaluated: 2024-02-01. Review status: criteria provided, single submitter. Criteria: Invitae Variant Classification Sherloc (09022015). Collection method: clinical testing. Allele origin: germline.
Comment: This sequence change replaces arginine, which is basic and polar, with glycine, which is neutral and non-polar, at codon 177 of the RET protein (p.Arg177Gly). This variant is present in population databases (no rsID available, gnomAD 0.0009%). This variant has not been reported in the literature in individuals affected with RET-related conditions. An algorithm developed to predict the effect of missense changes on protein structure and function (PolyPhen-2) suggests that this variant is likely to be disruptive. In summary, the available evidence is currently insufficient to determine the role of this variant in disease. Therefore, it has been classified as a Variant of Uncertain Significance.